The following is an entry in ClinVar:

ClinVar aggregate classification (germline): Pathogenic. Review status: criteria provided, single submitter (1 of 4 stars). 2 submissions from 2 submitters: Pathogenic (1). 1 of the submissions does not count toward it. Last evaluated 2023-10-07.

Conditions:
Retinitis pigmentosa (RP). Identifiers: Orphanet 791, MedGen C0035334, MeSH D012174, MONDO:0019200, OMIM 268000. Inheritance: Autosomal dominant, autosomal recessive and X linked inheritance.

Submissions (2):

Labcorp Genetics (formerly Invitae), Labcorp
Classification: Pathogenic. Last evaluated: 2023-10-07. Review status: criteria provided, single submitter. Criteria: Invitae Variant Classification Sherloc (09022015). Collection method: clinical testing. Allele origin: germline.
Comment: This sequence change creates a premature translational stop signal (p.Glu370*) in the PRPF31 gene. It is expected to result in an absent or disrupted protein product. Loss-of-function variants in PRPF31 are known to be pathogenic (PMID: 18317597, 23950152). This variant is not present in population databases (gnomAD no frequency). This premature translational stop signal has been observed in individual(s) with retinitis pigmentosa (PMID: 31814694). ClinVar contains an entry for this variant (Variation ID: 812380). For these reasons, this variant has been classified as Pathogenic.

Sharon lab, Hadassah-Hebrew University Medical Center
Classification: Pathogenic for Retinitis pigmentosa. Last evaluated: 2019-06-23. Review status: no assertion criteria provided. Collection method: research. Allele origin: inherited. Affected: yes. Not counted in ClinVar's aggregate classification.

Literature cited by the submitters: PubMed 18317597 (cited by Labcorp Genetics (formerly Invitae), Labcorp); PubMed 23950152 (cited by Labcorp Genetics (formerly Invitae), Labcorp); PubMed 31814694 (cited by Labcorp Genetics (formerly Invitae), Labcorp).

NM_015629.4(PRPF31):c.1108G>T (p.Glu370Ter)

Gene: PRPF31 (pre-mRNA processing factor 31; plus strand). Cytogenetic location: 19q13.42.
Variant type: single nucleotide variant.
Coding change: c.1108G>T on transcript NM_015629.4 (MANE Select); coding-DNA position 1108, G replaced by T.
Protein change: p.Glu370Ter; replaces glutamic acid 370 with a stop codon.
Molecular consequence: nonsense.
Genome position (GRCh38, 1-based): chr19:54,128,339, G>T. VCF-style: chr19-54128339-G-T. GRCh37 (hg19) VCF-style: chr19-54631714-G-T.
Other names: short protein forms E370*.
Identifiers: ClinVar variation 812380 (VCV000812380.4), dbSNP rs1184467860, ClinGen allele CA407753800.
Genomic context (GRCh38, chr19:54,128,339, plus strand): 5'-GGCGCCGCCCACCCACCCGTCCCCAGGTACCGCAAGATGAAGGAGCGGCTGGGGCTGACG[G>T]AGATCCGGAAGCAGGCCAACCGTATGAGCTTCGGAGAGGTCAGACTCCCAGAGCGCCCTC-3'